The following is an entry in ClinVar:

ClinVar aggregate classification (germline): Likely benign (1 of 4 stars; one submission).

gnomAD v4.1: 56 of 1,559,878 alleles (0.0036%); highest among the groups gnomAD compares: Middle Eastern, 0.13%; 1 homozygote.

Submission:

CeGaT Center for Human Genetics Tuebingen
Classification: Likely benign. Last evaluated: 2025-06-01. Review status: criteria provided, single submitter. Criteria: CeGaT Center For Human Genetics Tuebingen Variant Classification Criteria Version 2. Collection method: clinical testing. Allele origin: germline. Affected: yes. Observed: 1 variant allele.
Comment: DOCK3: BP4, BP7

NM_004947.5(DOCK3):c.6066C>T (p.Ala2022=)

Gene: DOCK3 (dedicator of cytokinesis 3; plus strand). Cytogenetic location: 3p21.2.
Variant type: single nucleotide variant.
Coding change: c.6066C>T on transcript NM_004947.5 (MANE Select); coding-DNA position 6066, C replaced by T.
Protein change: p.Ala2022=; no amino-acid change (alanine 2022 retained).
Molecular consequence: synonymous variant.
Genome position (GRCh38, 1-based): chr3:51,381,532, C>T. VCF-style: chr3-51381532-C-T. GRCh37 (hg19) VCF-style: chr3-51418963-C-T.
Identifiers: ClinVar variation 4084159 (VCV004084159.8).